The following is an entry in ClinVar:

NM_000660.7(TGFB1):c.1142A>G (p.Asn381Ser)

Gene: TGFB1 (transforming growth factor beta 1; minus strand). Cytogenetic location: 19q13.2.
Variant type: single nucleotide variant.
Coding change: c.1142A>G on transcript NM_000660.7 (MANE Select); coding-DNA position 1142, A replaced by G.
Protein change: p.Asn381Ser; replaces asparagine 381 with serine.
Molecular consequence: missense variant.
Genome position (GRCh38, 1-based): chr19:41,331,083, T>C on the plus strand (A>G on the coding strand, the complement: TGFB1 is on the minus strand). VCF-style: chr19-41331083-T-C. GRCh37 (hg19) VCF-style: chr19-41836988-T-C.
Other names: short protein forms N381S.
Identifiers: ClinVar variation 2850312 (VCV002850312.3), dbSNP rs781566009, ClinGen allele CA405997678.
Genomic context (GRCh38, chr19:41,331,083, plus strand): 5'-GCCGGGGCGGGGCGGGGCGGGGCGGGACCTCAGCTGCACTTGCAGGAGCGCACGATCATG[T>C]TGGACAGCTGCTCCACCTTGGGCTTGCGGCCCACGTAGTACACGATGGGCAGCGGCTCCA-3'
Protein context (NP_000651.3, residues 371-390): GRKPKVEQLS[Asn381Ser]MIVRSCKCS

ClinVar aggregate classification (germline): Uncertain significance (1 of 4 stars; one submission).

Allele frequency attached by ClinVar (database versions not stated): gnomAD exomes below 0.00001.
gnomAD v4.1: 1 of 1,584,410 alleles (0.000063%); highest among the groups gnomAD compares: Non-Finnish European, 0.000086%; no homozygotes.

Submission:

Labcorp Genetics (formerly Invitae), Labcorp
Classification: Uncertain significance. Last evaluated: 2023-03-27. Review status: criteria provided, single submitter. Criteria: Invitae Variant Classification Sherloc (09022015). Collection method: clinical testing. Allele origin: germline.
Comment: In summary, the available evidence is currently insufficient to determine the role of this variant in disease. Therefore, it has been classified as a Variant of Uncertain Significance. This sequence change replaces asparagine, which is neutral and polar, with serine, which is neutral and polar, at codon 381 of the TGFB1 protein (p.Asn381Ser). Advanced modeling of protein sequence and biophysical properties (such as structural, functional, and spatial information, amino acid conservation, physicochemical variation, residue mobility, and thermodynamic stability) performed at Invitae indicates that this missense variant is not expected to disrupt TGFB1 protein function. This variant has not been reported in the literature in individuals affected with TGFB1-related conditions. The frequency data for this variant in the population databases is considered unreliable, as metrics indicate poor data quality at this position in the gnomAD database.